The following is an entry in ClinVar:

ClinVar aggregate classification (germline): Conflicting classifications of pathogenicity. Review status: criteria provided, conflicting classifications (1 of 4 stars). 2 submissions from 2 submitters: Uncertain significance (1); Likely benign (1). Last evaluated 2025-10-28.

Conditions:
X-linked distal spinal muscular atrophy type 3. Also called: ATP7A-Related Distal Motor Neuropathy; NEURONOPATHY, DISTAL HEREDITARY MOTOR, X-LINKED; NEUROPATHY, DISTAL HEREDITARY MOTOR, X-LINKED; SPINAL MUSCULAR ATROPHY, DISTAL, X-LINKED RECESSIVE. Identifiers: Orphanet 139557, MedGen C1845359, MONDO:0010338, OMIM 300489.
Menkes kinky-hair syndrome (MNK). Also called: Classic Menkes Disease; Copper transport disease; Menkes Disease. Identifiers: Orphanet 565, MedGen C0022716, MONDO:0010651, OMIM 309400.
Cutis laxa, X-linked (OHS). Also called: EDS IX; Occipital horn syndrome. Identifiers: Orphanet 198, MedGen C0268353, MONDO:0010572, OMIM 304150.

Allele frequency attached by ClinVar (database versions not stated): gnomAD exomes 0.00001.
gnomAD v4.1: 1 of 1,207,913 alleles (0.000083%); highest among the groups gnomAD compares: Non-Finnish European, 0.00011%; no homozygotes.

Submissions (2):

Women's Health and Genetics/Laboratory Corporation of America, LabCorp
Classification: Uncertain significance. Last evaluated: 2025-10-28. Review status: criteria provided, single submitter. Criteria: LabCorp Variant Classification Summary - May 2015. Collection method: clinical testing. Allele origin: germline.
Comment: Variant summary: ATP7A c.2161G>T (p.Val721Leu) results in a conservative amino acid change in the encoded protein sequence. Algorithms developed to predict the effect of missense changes on protein structure and function are either unavailable or do not agree on the potential impact of this missense change. The variant allele was found at a frequency of 5.5e-06 in 183265 control chromosomes (gnomAD). The available data on variant occurrences in the general population are insufficient to allow any conclusion about variant significance. To our knowledge, no occurrence of c.2161G>T in individuals affected with ATP7A-related conditions and no experimental evidence demonstrating its impact on protein function have been reported. ClinVar contains an entry for this variant (Variation ID: 1429899). Based on the evidence outlined above, the variant was classified as uncertain significance.

Labcorp Genetics (formerly Invitae), Labcorp
Classification: Likely benign for X-linked distal spinal muscular atrophy type 3; Cutis laxa, X-linked; Menkes kinky-hair syndrome. Last evaluated: 2025-08-14. Review status: criteria provided, single submitter. Criteria: Invitae Variant Classification Sherloc (09022015). Collection method: clinical testing. Allele origin: germline.

NM_000052.7(ATP7A):c.2161G>T (p.Val721Leu)

Gene: ATP7A (ATPase copper transporting alpha; plus strand). Cytogenetic location: Xq21.1.
Variant type: single nucleotide variant.
Coding change: c.2161G>T on transcript NM_000052.7 (MANE Select); coding-DNA position 2161, G replaced by T.
Protein change: p.Val721Leu; replaces valine 721 with leucine.
Molecular consequence: missense variant.
Genome position (GRCh38, 1-based): chrX:78,011,663, G>T. VCF-style: chrX-78011663-G-T. GRCh37 (hg19) VCF-style: chrX-77267160-G-T.
Other names: c.2161G>T, p.Val721Leu (NM_001282224.2); short protein forms V721L.
Identifiers: ClinVar variation 1429899 (VCV001429899.7), dbSNP rs1557234543, ClinGen allele CA413598550.
Genomic context (GRCh38, chrX:78,011,663, plus strand): 5'-CTGGAGCGCCAGATTCTTCCAGGATTGTCTGTTATGAATTTGCTGTCCTTTTTATTGTGT[G>T]TACCTGTACAGGCAAGTGAATTGTTAGCAAATATATTTGTTAATAATAAAAAATAAGCAA-3'
Protein context (NP_000043.4, residues 711-731): VMNLLSFLLC[Val721Leu]PVQFFGGWYF